The following is an entry in ClinVar:

ClinVar aggregate classification (germline): Uncertain significance (1 of 4 stars; one submission).

gnomAD v4.1: 3 of 1,604,336 alleles (0.00019%); highest among the groups gnomAD compares: African/African-American, 0.004%; no homozygotes.

Submission:

GeneDx
Classification: Uncertain significance. Last evaluated: 2026-04-16. Review status: criteria provided, single submitter. Criteria: GeneDx Variant Classification Process June 2021. Collection method: clinical testing. Allele origin: germline.
Comment: In silico analysis supports that this missense variant has a deleterious effect on protein structure/function; Has not been previously published as pathogenic or benign to our knowledge; This variant is associated with the following publications: (PMID: 21520338, 31554319, 9590290)

NM_005422.4(TECTA):c.2899G>C (p.Ala967Pro)

Genes: TBCEL-TECTA (TBCEL-TECTA readthrough; plus strand), TECTA (tectorin alpha; plus strand), LOC126861365 (P300/CBP strongly-dependent group 1 enhancer GRCh37_chr11:121000154-121001353; plus strand). Cytogenetic location: 11q23.3.
Variant type: single nucleotide variant.
Coding change: c.2899G>C on transcript NM_005422.4 (MANE Select); coding-DNA position 2899, G replaced by C.
Protein change: p.Ala967Pro; replaces alanine 967 with proline.
Molecular consequence: missense variant.
Genome position (GRCh38, 1-based): chr11:121,130,169, G>C. VCF-style: chr11-121130169-G-C. GRCh37 (hg19) VCF-style: chr11-121000878-G-C.
Other names: c.3856G>C, p.Ala1286Pro (NM_001378761.1); short protein forms A1286P, A967P.
Identifiers: ClinVar variation 5036958 (VCV005036958.1).